The following is an entry in ClinVar:

ClinVar aggregate classification (germline): Uncertain significance (1 of 4 stars; one submission).

Conditions:
Usher syndrome type 3B. Also called: USHER SYNDROME, TYPE IIIB. Identifiers: MedGen C3281066, MONDO:0013788, OMIM 614504.

Allele frequency attached by ClinVar (database versions not stated): gnomAD 0.00001.
gnomAD v4.1: 3 of 1,607,144 alleles (0.00019%); highest among the groups gnomAD compares: Non-Finnish European, 0.00026%; no homozygotes.

Submission:

Labcorp Genetics (formerly Invitae), Labcorp
Classification: Uncertain significance for Usher syndrome type 3B. Last evaluated: 2025-12-03. Review status: criteria provided, single submitter. Criteria: Invitae Variant Classification Sherloc (09022015). Collection method: clinical testing. Allele origin: germline.
Comment: This sequence change replaces cysteine, which is neutral and slightly polar, with glycine, which is neutral and non-polar, at codon 507 of the HARS protein (p.Cys507Gly). This variant is not present in population databases (gnomAD no frequency). This variant has not been reported in the literature in individuals affected with HARS-related conditions. ClinVar contains an entry for this variant (Variation ID: 1680279). An algorithm developed to predict the effect of missense changes on protein structure and function (PolyPhen-2) suggests that this variant is likely to be tolerated. In summary, the available evidence is currently insufficient to determine the role of this variant in disease. Therefore, it has been classified as a Variant of Uncertain Significance.

NM_002109.6(HARS1):c.1519T>G (p.Cys507Gly)

Gene: HARS1 (histidyl-tRNA synthetase 1; minus strand). Cytogenetic location: 5q31.3.
Variant type: single nucleotide variant.
Coding change: c.1519T>G on transcript NM_002109.6 (MANE Select); coding-DNA position 1519, T replaced by G.
Protein change: p.Cys507Gly; replaces cysteine 507 with glycine.
Molecular consequence: missense variant.
Genome position (GRCh38, 1-based): chr5:140,674,268, A>C on the plus strand (T>G on the coding strand, the complement: HARS1 is on the minus strand). VCF-style: chr5-140674268-A-C. GRCh37 (hg19) VCF-style: chr5-140053853-A-C.
Other names: c.1399T>G, p.Cys467Gly (NM_001258040.3); c.1459T>G, p.Cys487Gly (NM_001258041.3); c.1339T>G, p.Cys447Gly (NM_001258042.3); c.1297T>G, p.Cys433Gly (NM_001289092.2); c.1177T>G, p.Cys393Gly (NM_001289093.2); c.1432T>G, p.Cys478Gly (NM_001289094.2); short protein forms C393G, C433G, C447G, C467G, C478G, C487G, C507G.
Identifiers: ClinVar variation 1680279 (VCV001680279.8), dbSNP rs150090766, ClinGen allele CA128376531.